The following is an entry in ClinVar:

ClinVar aggregate classification (germline): Benign/Likely benign. Review status: criteria provided, multiple submitters, no conflicts (2 of 4 stars). 9 submissions from 9 submitters: Benign (2); Likely benign (5). 2 of the submissions do not count toward it. Last evaluated 2026-03-01.

Conditions:
COL6A3-related disorder. Also called: COL6A3-related condition; COL6A3-related disorders.
Dystonia 27 (DYT27). Identifiers: Orphanet 464440, MedGen C4225336, MONDO:0014627, OMIM 616411.
Collagen 6-related myopathy. Identifiers: MedGen CN117976, MONDO:0100225.
Bethlem myopathy 1A. Also called: Bethlem myopathy 1; MYOPATHY, BENIGN CONGENITAL, WITH CONTRACTURES; Bethlem Muscular Dystrophy. Identifiers: Orphanet 610, MedGen CN029274, MONDO:0024530, OMIM 158810.

Allele frequency attached by ClinVar (database versions not stated): 1000 Genomes Project 30x 0.00031; 1000 Genomes Project 0.00040; ESP Exome Variant Server 0.00062; gnomAD 0.00063 and 0.00064; TOPMed 0.00066.
gnomAD v4.1: 1,043 of 1,614,142 alleles (0.065%); highest among the groups gnomAD compares: Non-Finnish European, 0.067%; 5 homozygotes.

Submissions (9):

CeGaT Center for Human Genetics Tuebingen
Classification: Likely benign. Last evaluated: 2026-03-01. Review status: criteria provided, single submitter. Criteria: CeGaT Center For Human Genetics Tuebingen Variant Classification Criteria Version 2. Collection method: clinical testing. Allele origin: germline. Affected: yes. Observed: 4 variant alleles.
Comment: COL6A3: BP4

Labcorp Genetics (formerly Invitae), Labcorp
Classification: Benign for Bethlem myopathy 1A. Last evaluated: 2026-01-12. Review status: criteria provided, single submitter. Criteria: Invitae Variant Classification Sherloc (09022015). Collection method: clinical testing. Allele origin: germline.

Blueprint Genetics
Classification: Likely benign. Last evaluated: 2024-11-20. Review status: criteria provided, single submitter. Criteria: ACMG Guidelines, 2015. Collection method: clinical testing. Allele origin: germline.

GeneDx
Classification: Likely benign. Last evaluated: 2021-05-05. Review status: criteria provided, single submitter. Criteria: GeneDx Variant Classification Process June 2021. Collection method: clinical testing. Allele origin: germline. Affected: yes.
Comment: This variant is associated with the following publications: (PMID: 26004199, 26872670, 26991507, 30564623)

Illumina Laboratory Services, Illumina
Classification: Benign for Collagen VI-related myopathy. Last evaluated: 2018-01-12. Review status: criteria provided, single submitter. Criteria: ICSL Variant Classification Criteria 13 December 2019. Collection method: clinical testing. Allele origin: germline.
Comment: This variant was observed in the ICSL laboratory as part of a predisposition screen in an ostensibly healthy population. It had not been previously curated by ICSL or reported in the Human Gene Mutation Database (HGMD: prior to June 1st, 2018), and was therefore a candidate for classification through an automated scoring system. Utilizing variant allele frequency, disease prevalence and penetrance estimates, and inheritance mode, an automated score was calculated to assess if this variant is too frequent to cause the disease. Based on the score and internal cut-off values, a variant classified as benign is not then subjected to further curation. The score for this variant resulted in a classification of benign for this disease.

Eurofins Ntd Llc (ga)
Classification: Likely benign. Last evaluated: 2016-08-08. Review status: criteria provided, single submitter. Criteria: EGL Classification Definitions 2015. Collection method: clinical testing. Allele origin: germline. Observed: 5 variant alleles, 5 heterozygotes.

Breakthrough Genomics
Classification: Likely benign. Review status: criteria provided, single submitter. Criteria: ACMG Guidelines, 2015. Collection method: not provided. Allele origin: germline. Inheritance: Autosomal recessive inheritance. Affected: yes.

PreventionGenetics, part of Exact Sciences
Classification: Likely benign for COL6A3-related condition. Last evaluated: 2024-06-11. Review status: no assertion criteria provided. Collection method: clinical testing. Allele origin: germline. Not counted in ClinVar's aggregate classification.
Comment: This variant is classified as likely benign based on ACMG/AMP sequence variant interpretation guidelines (Richards et al. 2015 PMID: 25741868, with internal and published modifications).

OMIM
Classification: Pathogenic for DYSTONIA 27. Last evaluated: 2015-06-04. Review status: no assertion criteria provided. Collection method: literature only. Allele origin: germline. Not counted in ClinVar's aggregate classification.

Literature cited by the submitters: PubMed 26004199 (cited by Eurofins Ntd Llc (ga) and OMIM); PubMed 26872670 (cited by Eurofins Ntd Llc (ga)).

NM_004369.4(COL6A3):c.9245C>G (p.Pro3082Arg)

Gene: COL6A3 (collagen type VI alpha 3 chain; minus strand). Cytogenetic location: 2q37.3.
Variant type: single nucleotide variant.
Coding change: c.9245C>G on transcript NM_004369.4 (MANE Select); coding-DNA position 9245, C replaced by G.
Protein change: p.Pro3082Arg; replaces proline 3082 with arginine.
Molecular consequence: missense variant.
Genome position (GRCh38, 1-based): chr2:237,333,533, G>C on the plus strand (C>G on the coding strand, the complement: COL6A3 is on the minus strand). VCF-style: chr2-237333533-G-C. GRCh37 (hg19) VCF-style: chr2-238242176-G-C.
Other names: COL6A3, PRO3082ARG (rs182976977); c.7424C>G, p.Pro2475Arg (NM_057166.5); c.8627C>G, p.Pro2876Arg (NM_057167.4); short protein forms P3082R, P2876R, P2475R.
Identifiers: ClinVar variation 192262 (VCV000192262.65), dbSNP rs182976977, ClinGen allele CA200145.